The following is an entry in ClinVar:

NM_004370.6(COL12A1):c.569C>A (p.Thr190Asn)

Gene: COL12A1 (collagen type XII alpha 1 chain; minus strand). Cytogenetic location: 6q13.
Variant type: single nucleotide variant.
Coding change: c.569C>A on transcript NM_004370.6 (MANE Select); coding-DNA position 569, C replaced by A.
Protein change: p.Thr190Asn; replaces threonine 190 with asparagine.
Molecular consequence: missense variant. On other transcripts: intron variant (1).
Genome position (GRCh38, 1-based): chr6:75,189,641, G>T on the plus strand (C>A on the coding strand, the complement: COL12A1 is on the minus strand). VCF-style: chr6-75189641-G-T. GRCh37 (hg19) VCF-style: chr6-75899357-G-T.
Other names: p.Thr190Asn; c.73+13079C>A (NM_080645.3); c.569C>A (NM_004370.5); short protein forms T190N.
Identifiers: ClinVar variation 1020289 (VCV001020289.12), dbSNP rs759905934, ClinGen allele CA3894399.
Genomic context (GRCh38, chr6:75,189,641, plus strand): 5'-ATTTTTTTTATTGCAGCAAGAAGTTCATCCCTTTGGTAGTACTGATTTAAGTTAAATTCA[G>T]TCCTGGTATCAGAGCTGTATTGAACAACTCCAACTCTTGTCTTCTCTTCCCCAATGTCAA-3'
Protein context (NP_004361.3, residues 180-200): GVVQYSSDTR[Thr190Asn]EFNLNQYYQR

ClinVar aggregate classification (germline): Conflicting classifications of pathogenicity. Review status: criteria provided, conflicting classifications (1 of 4 stars). 4 submissions from 4 submitters: Uncertain significance (3); Likely benign (1). Last evaluated 2026-02-01.

Conditions:
Inborn genetic diseases. Identifiers: MedGen C0950123, MeSH D030342.
Ullrich congenital muscular dystrophy 2 (UCMD2). Identifiers: Orphanet 75840, MedGen C4225314, MONDO:0014654, OMIM 616470.
Bethlem myopathy 2 (BTHLM2). Identifiers: Orphanet 536516, Orphanet 610, MedGen C4225313, MONDO:0034022, OMIM 616471.

Allele frequency attached by ClinVar (database versions not stated): gnomAD 0.00003 and 0.00001; gnomAD exomes 0.00004; ExAC 0.00004; TOPMed 0.00002.
gnomAD v4.1: 24 of 1,613,208 alleles (0.0015%); highest among the groups gnomAD compares: East Asian, 0.04%; no homozygotes.

Submissions (4):

Labcorp Genetics (formerly Invitae), Labcorp
Classification: Likely benign for Bethlem myopathy 2; Ullrich congenital muscular dystrophy 2. Last evaluated: 2026-02-01. Review status: criteria provided, single submitter. Criteria: Invitae Variant Classification Sherloc (09022015). Collection method: clinical testing. Allele origin: germline.

Ambry Genetics
Classification: Uncertain significance for Inborn genetic diseases. Last evaluated: 2025-08-22. Review status: criteria provided, single submitter. Criteria: Ambry Variant Classification Scheme 2023. Collection method: clinical testing. Allele origin: germline.

GeneDx
Classification: Uncertain significance. Last evaluated: 2024-08-14. Review status: criteria provided, single submitter. Criteria: GeneDx Variant Classification Process June 2021. Collection method: clinical testing. Allele origin: germline. Affected: yes.
Comment: Has not been previously published as pathogenic or benign to our knowledge; In silico analysis indicates that this missense variant does not alter protein structure/function

Mayo Clinic Laboratories, Mayo Clinic
Classification: Uncertain significance. Last evaluated: 2024-02-22. Review status: criteria provided, single submitter. Criteria: ACMG Guidelines, 2015. Collection method: clinical testing. Allele origin: germline. Observed: 1 variant allele.